The following is an entry in ClinVar:

NM_001374504.1(TMPRSS6):c.490G>A (p.Ala164Thr)

Gene: TMPRSS6 (transmembrane serine protease 6; minus strand). Cytogenetic location: 22q12.3.
Variant type: single nucleotide variant.
Coding change: c.490G>A on transcript NM_001374504.1 (MANE Select); coding-DNA position 490, G replaced by A.
Protein change: p.Ala164Thr; replaces alanine 164 with threonine.
Molecular consequence: missense variant.
Genome position (GRCh38, 1-based): chr22:37,096,005, C>T on the plus strand (G>A on the coding strand, the complement: TMPRSS6 is on the minus strand). VCF-style: chr22-37096005-C-T. GRCh37 (hg19) VCF-style: chr22-37492045-C-T.
Other names: c.490G>A, p.Ala164Thr (NM_001289000.2, NM_001289001.2, NM_153609.4); short protein forms A164T.
Identifiers: ClinVar variation 3327359 (VCV003327359.2).

ClinVar aggregate classification (germline): Uncertain significance. Review status: criteria provided, multiple submitters, no conflicts (2 of 4 stars). 2 submissions from 2 submitters: Uncertain significance (2). Last evaluated 2025-04-02.

Conditions:
Inborn genetic diseases. Identifiers: MedGen C0950123, MeSH D030342.

gnomAD v4.1: 21 of 1,614,116 alleles (0.0013%); highest among the groups gnomAD compares: Non-Finnish European, 0.0017%; no homozygotes.

Submissions (2):

Labcorp Genetics (formerly Invitae), Labcorp
Classification: Uncertain significance. Last evaluated: 2025-04-02. Review status: criteria provided, single submitter. Criteria: Invitae Variant Classification Sherloc (09022015). Collection method: clinical testing. Allele origin: germline.
Comment: This sequence change replaces alanine, which is neutral and non-polar, with threonine, which is neutral and polar, at codon 173 of the TMPRSS6 protein (p.Ala173Thr). This variant is present in population databases (rs772092292, gnomAD 0.004%). This variant has not been reported in the literature in individuals affected with TMPRSS6-related conditions. ClinVar contains an entry for this variant (Variation ID: 3327359). Invitae Evidence Modeling of protein sequence and biophysical properties (such as structural, functional, and spatial information, amino acid conservation, physicochemical variation, residue mobility, and thermodynamic stability) indicates that this missense variant is not expected to disrupt TMPRSS6 protein function with a negative predictive value of 80%. In summary, the available evidence is currently insufficient to determine the role of this variant in disease. Therefore, it has been classified as a Variant of Uncertain Significance.

Ambry Genetics
Classification: Uncertain significance for Inborn genetic diseases. Last evaluated: 2024-03-25. Review status: criteria provided, single submitter. Criteria: Ambry Variant Classification Scheme 2023. Collection method: clinical testing. Allele origin: germline.